The following is an entry in ClinVar:

ClinVar aggregate classification (germline): Uncertain significance (1 of 4 stars; one submission).

Conditions:
NRP1-related disorder. Also called: NRP1-related condition.

Submission:

PreventionGenetics, part of Exact Sciences
Classification: Uncertain significance for NRP1-related condition. Last evaluated: 2025-01-20. Review status: criteria provided, single submitter. Criteria: ACMG Guidelines, 2015. Collection method: clinical testing. Allele origin: germline.
Comment: The NRP1 c.715T>G variant is predicted to result in the amino acid substitution p.Ser239Ala. To our knowledge, this variant has not been reported in the literature or in a large population database (gnomAD), indicating this variant is rare. At this time, the clinical significance of this variant is uncertain due to the absence of conclusive functional and genetic evidence.

NM_003873.7(NRP1):c.715T>G (p.Ser239Ala)

Gene: NRP1 (neuropilin 1; minus strand). Cytogenetic location: 10p11.22.
Variant type: single nucleotide variant.
Coding change: c.715T>G on transcript NM_003873.7 (MANE Select); coding-DNA position 715, T replaced by G.
Protein change: p.Ser239Ala; replaces serine 239 with alanine.
Molecular consequence: missense variant. On other transcripts: non-coding transcript variant (1).
Genome position (GRCh38, 1-based): chr10:33,256,415, A>C on the plus strand (T>G on the coding strand, the complement: NRP1 is on the minus strand). VCF-style: chr10-33256415-A-C. GRCh37 (hg19) VCF-style: chr10-33545343-A-C.
Other names: c.715T>G, p.Ser239Ala (NM_001024628.3, NM_001024629.3, NM_001244972.2 and 2 more transcripts); short protein forms S239A.
Identifiers: ClinVar variation 5001341 (VCV005001341.1).
Genomic context (GRCh38, chr10:33,256,415, plus strand): 5'-AGAAACCTTCTTTTGCTATCGCGCTGTCGGTGTAAAAAACCATGGAGAGAATGCCCGATG[A>C]GGATCGGATTCGACCTGGTGTTTTCTGTCCACAGTAACGCCCAATGTGAGGGCCAACTGG-3'
Protein context (NP_003864.5, residues 229-249): GQKTPGRIRS[Ser239Ala]SGILSMVFYT